The following is an entry in ClinVar:

ClinVar aggregate classification (germline): Likely benign (1 of 4 stars; one submission).

Allele frequency attached by ClinVar (database versions not stated): TOPMed below 0.00001; ExAC 0.00001; gnomAD 0.00001.
gnomAD v4.1: 12 of 1,610,888 alleles (0.00074%); highest among the groups gnomAD compares: East Asian, 0.0067%; no homozygotes.

Submission:

CeGaT Center for Human Genetics Tuebingen
Classification: Likely benign. Last evaluated: 2022-12-01. Review status: criteria provided, single submitter. Criteria: CeGaT Center For Human Genetics Tuebingen Variant Classification Criteria Version 2. Collection method: clinical testing. Allele origin: germline. Affected: yes. Observed: 1 variant allele.
Comment: ABI3BP: BP4, BP7

NM_001375547.2(ABI3BP):c.1494G>A (p.Thr498=)

Gene: ABI3BP (ABI family member 3 binding protein; minus strand). Cytogenetic location: 3q12.2.
Variant type: single nucleotide variant.
Coding change: c.1494G>A on transcript NM_001375547.2 (MANE Select); coding-DNA position 1494, G replaced by A.
Protein change: p.Thr498=; no amino-acid change (threonine 498 retained).
Molecular consequence: synonymous variant. On other transcripts: intron variant (1).
Genome position (GRCh38, 1-based): chr3:100,850,052, C>T on the plus strand (G>A on the coding strand, the complement: ABI3BP is on the minus strand). VCF-style: chr3-100850052-C-T. GRCh37 (hg19) VCF-style: chr3-100568896-C-T.
Other names: c.1281G>A, p.Thr427= (NM_001349329.2); c.1347G>A, p.Thr449= (NM_001349330.2, NM_001349331.2, NM_001349332.2 and 1 more transcripts); c.1422G>A, p.Thr474= (NM_001365642.2); c.1494G>A, p.Thr498= (NM_001365643.2, NM_001375549.2, NM_001375550.1); c.1139-1177G>A (NM_001377332.1).
Identifiers: ClinVar variation 2654005 (VCV002654005.24), dbSNP rs748429277, ClinGen allele CA2518137.